The following is an entry in ClinVar:

ClinVar aggregate classification (germline): Uncertain significance. Review status: criteria provided, multiple submitters, no conflicts (2 of 4 stars). 3 submissions from 3 submitters: Uncertain significance (3). Last evaluated 2024-11-25.

Conditions:
Neutropenia, severe congenital, 2, autosomal dominant. Identifiers: Orphanet 486, MedGen C2751288, MONDO:0013139, OMIM 613107.
Nonimmune chronic idiopathic neutropenia of adults. Identifiers: Orphanet 2688, MedGen C1842930, MONDO:0011922, OMIM 607847.

Allele frequency attached by ClinVar (database versions not stated): ExAC 0.00001; gnomAD exomes 0.00001 and 0.00002; gnomAD 0.00003 and 0.00004; TOPMed 0.00003.
gnomAD v4.1: 38 of 1,608,844 alleles (0.0024%); highest among the groups gnomAD compares: Admixed American, 0.005%; no homozygotes.

Submissions (3):

Ambry Genetics
Classification: Uncertain significance. Last evaluated: 2024-11-25. Review status: criteria provided, single submitter. Criteria: Ambry Variant Classification Scheme 2023. Collection method: clinical testing. Allele origin: germline.
Comment: The p.D131N variant (also known as c.391G>A), located in coding exon 3 of the GFI1 gene, results from a G to A substitution at nucleotide position 391. The aspartic acid at codon 131 is replaced by asparagine, an amino acid with highly similar properties. This amino acid position is conserved. In addition, this alteration is predicted to be tolerated by in silico analysis. Based on the available evidence, the clinical significance of this variant remains unclear.

Labcorp Genetics (formerly Invitae), Labcorp
Classification: Uncertain significance for Neutropenia, severe congenital, 2, autosomal dominant. Last evaluated: 2022-11-22. Review status: criteria provided, single submitter. Criteria: Invitae Variant Classification Sherloc (09022015). Collection method: clinical testing. Allele origin: germline.
Comment: This variant is present in population databases (rs750742235, gnomAD 0.003%). This sequence change replaces aspartic acid, which is acidic and polar, with asparagine, which is neutral and polar, at codon 131 of the GFI1 protein (p.Asp131Asn). In summary, the available evidence is currently insufficient to determine the role of this variant in disease. Therefore, it has been classified as a Variant of Uncertain Significance. Advanced modeling of protein sequence and biophysical properties (such as structural, functional, and spatial information, amino acid conservation, physicochemical variation, residue mobility, and thermodynamic stability) performed at Invitae indicates that this missense variant is not expected to disrupt GFI1 protein function. ClinVar contains an entry for this variant (Variation ID: 951085). This variant has not been reported in the literature in individuals affected with GFI1-related conditions.

Center for Genomics, Ann and Robert H. Lurie Children's Hospital of Chicago
Classification: Uncertain significance for Nonimmune chronic idiopathic neutropenia of adults; Neutropenia, severe congenital, 2, autosomal dominant. Review status: criteria provided, single submitter. Criteria: ACMG Guidelines, 2015. Collection method: clinical testing. Allele origin: germline.
Comment: This variant has not been reported in the literature but is present in the Genome Aggregation Database (Highest reported MAF: 0.007% [1/15286]), and in ClinVar (Variation ID:951085). Evolutionary conservation and computational predictive tools suggest that this variant may not impact the protein. In summary, data on this variant is insufficient for disease classification. Therefore, the clinical significance of this variant is uncertain

NM_005263.5(GFI1):c.391G>A (p.Asp131Asn)

Gene: GFI1 (growth factor independent 1 transcriptional repressor; minus strand). Cytogenetic location: 1p22.1.
Variant type: single nucleotide variant.
Coding change: c.391G>A on transcript NM_005263.5 (MANE Select); coding-DNA position 391, G replaced by A.
Protein change: p.Asp131Asn; replaces aspartic acid 131 with asparagine.
Molecular consequence: missense variant.
Genome position (GRCh38, 1-based): chr1:92,480,996, C>T on the plus strand (G>A on the coding strand, the complement: GFI1 is on the minus strand). VCF-style: chr1-92480996-C-T. GRCh37 (hg19) VCF-style: chr1-92946553-C-T.
Other names: c.391G>A, p.Asp131Asn (NM_001127215.3, NM_001127216.3); short protein forms D131N.
Identifiers: ClinVar variation 951085 (VCV000951085.12), dbSNP rs750742235, ClinGen allele CA951398.